The following is an entry in ClinVar:

ClinVar aggregate classification (germline): Uncertain significance. Review status: criteria provided, multiple submitters, no conflicts (2 of 4 stars). 2 submissions from 2 submitters: Uncertain significance (2). Last evaluated 2025-02-04.

Conditions:
Hereditary cancer-predisposing syndrome. Also called: Neoplastic Syndromes, Hereditary; Hereditary Cancer Syndrome; Hereditary neoplastic syndrome; Tumor predisposition. Identifiers: Orphanet 140162, MedGen C0027672, MeSH D009386, MONDO:0015356.
Bloom syndrome (BLM). Also called: Bloom-Torre-Machacek syndrome. Identifiers: Orphanet 125, MedGen C0005859, MONDO:0008876, OMIM 210900.

Submissions (2):

Ambry Genetics
Classification: Uncertain significance for Hereditary cancer-predisposing syndrome. Last evaluated: 2025-02-04. Review status: criteria provided, single submitter. Criteria: Ambry Variant Classification Scheme 2023. Collection method: clinical testing. Allele origin: germline.
Comment: The p.T946I variant (also known as c.2837C>T), located in coding exon 14 of the BLM gene, results from a C to T substitution at nucleotide position 2837. The threonine at codon 946 is replaced by isoleucine, an amino acid with similar properties. This amino acid position is conserved. In addition, this alteration is predicted to be deleterious by in silico analysis. Based on the available evidence, the clinical significance of this variant remains unclear.

Labcorp Genetics (formerly Invitae), Labcorp
Classification: Uncertain significance for Bloom syndrome. Last evaluated: 2024-03-07. Review status: criteria provided, single submitter. Criteria: Invitae Variant Classification Sherloc (09022015). Collection method: clinical testing. Allele origin: germline.
Comment: This sequence change replaces threonine, which is neutral and polar, with isoleucine, which is neutral and non-polar, at codon 946 of the BLM protein (p.Thr946Ile). This variant is not present in population databases (gnomAD no frequency). This variant has not been reported in the literature in individuals affected with BLM-related conditions. ClinVar contains an entry for this variant (Variation ID: 1420580). Advanced modeling of protein sequence and biophysical properties (such as structural, functional, and spatial information, amino acid conservation, physicochemical variation, residue mobility, and thermodynamic stability) performed at Invitae indicates that this missense variant is expected to disrupt BLM protein function with a positive predictive value of 80%. In summary, the available evidence is currently insufficient to determine the role of this variant in disease. Therefore, it has been classified as a Variant of Uncertain Significance.

NM_000057.4(BLM):c.2837C>T (p.Thr946Ile)

Gene: BLM (BLM RecQ like helicase; plus strand). Cytogenetic location: 15q26.1.
Variant type: single nucleotide variant.
Coding change: c.2837C>T on transcript NM_000057.4 (MANE Select); coding-DNA position 2837, C replaced by T.
Protein change: p.Thr946Ile; replaces threonine 946 with isoleucine.
Molecular consequence: missense variant.
Genome position (GRCh38, 1-based): chr15:90,790,662, C>T. VCF-style: chr15-90790662-C-T. GRCh37 (hg19) VCF-style: chr15-91333892-C-T.
Other names: c.2837C>T, p.Thr946Ile (NM_001287246.2, NM_001287247.2); c.1712C>T, p.Thr571Ile (NM_001287248.2); c.2837C>T (NM_000057.2); short protein forms T946I, T571I.
Identifiers: ClinVar variation 1420580 (VCV001420580.7), dbSNP rs2151184440, ClinGen allele CA393846246.